The following is an entry in ClinVar:

ClinVar aggregate classification (germline): Likely benign. Review status: criteria provided, multiple submitters, no conflicts (2 of 4 stars). 7 submissions from 7 submitters: Likely benign (7). Last evaluated 2026-03-30.

Conditions:
Catecholaminergic polymorphic ventricular tachycardia (CVPT). Also called: Catecholamine-induced polymorphic ventricular tachycardia. Identifiers: Orphanet 3286, MedGen C5574922, MONDO:0017990.
Cardiomyopathy (CMYO). Also called: Cardiomyopathies. Identifiers: Orphanet 167848, MedGen C0878544, MONDO:0004994, HP:0001638. Inheritance: Various modes of inheritance.
Cardiovascular phenotype. Identifiers: MedGen CN230736.
Catecholaminergic polymorphic ventricular tachycardia 1. Also called: VENTRICULAR TACHYCARDIA, STRESS-INDUCED POLYMORPHIC 1; VENTRICULAR TACHYCARDIA, CATECHOLAMINERGIC POLYMORPHIC, 1, WITH OR WITHOUT ATRIAL DYSFUNCTION AND/OR DILATED CARDIOMYOPATHY; RYR2-Related Catecholaminergic Polymorphic Ventricular Tachycardia. Identifiers: Orphanet 3286, MedGen C1631597, MONDO:0011484, OMIM 604772.

Allele frequency attached by ClinVar (database versions not stated): ExAC 0.00001; gnomAD 0.00001; gnomAD exomes 0.00001 and 0.00003; TOPMed 0.00001.
gnomAD v4.1: 13 of 1,613,848 alleles (0.00081%); highest among the groups gnomAD compares: Admixed American, 0.005%; no homozygotes.

Submissions (7):

Ambry Genetics
Classification: Likely benign for Cardiovascular phenotype. Last evaluated: 2026-03-30. Review status: criteria provided, single submitter. Criteria: Ambry Variant Classification Scheme 2023. Collection method: clinical testing. Allele origin: germline.

Labcorp Genetics (formerly Invitae), Labcorp
Classification: Likely benign for Catecholaminergic polymorphic ventricular tachycardia 1. Last evaluated: 2025-07-01. Review status: criteria provided, single submitter. Criteria: Invitae Variant Classification Sherloc (09022015). Collection method: clinical testing. Allele origin: germline.

Molecular Diagnostic Laboratory for Inherited Cardiovascular Disease, Montreal Heart Institute
Classification: Likely benign. Last evaluated: 2025-04-09. Review status: criteria provided, single submitter. Criteria: ACMG Guidelines, 2015. Collection method: clinical testing. Allele origin: germline. Affected: no.
Comment: BP7

Blueprint Genetics
Classification: Likely benign. Last evaluated: 2024-09-18. Review status: criteria provided, single submitter. Criteria: ACMG Guidelines, 2015. Collection method: clinical testing. Allele origin: germline.

All of Us Research Program, National Institutes of Health
Classification: Likely benign for Catecholaminergic polymorphic ventricular tachycardia. Last evaluated: 2023-09-04. Review status: criteria provided, single submitter. Criteria: ACMG Guidelines, 2015. Collection method: clinical testing. Allele origin: germline. Inheritance: Autosomal dominant inheritance. Observed: 2 variant alleles, 2 heterozygotes.
Comment: This study involves interpretation of variants in research participants for the purpose of population health screening. Participant phenotype was not available at the time of variant classification. Additional details can be found in publication PMID: 35346344, PMCID: PMC8962531

Color Diagnostics, LLC DBA Color Health
Classification: Likely benign for Cardiomyopathy. Last evaluated: 2019-10-09. Review status: criteria provided, single submitter. Criteria: ACMG Guidelines, 2015. Collection method: clinical testing. Allele origin: germline.

Women's Health and Genetics/Laboratory Corporation of America, LabCorp
Classification: Likely benign. Last evaluated: 2019-08-29. Review status: criteria provided, single submitter. Criteria: LabCorp Variant Classification Summary - May 2015. Collection method: clinical testing. Allele origin: germline.

NM_001035.3(RYR2):c.12489C>T (p.Pro4163=)

Genes: RYR2 (ryanodine receptor 2; plus strand), LOC126806068 (BRD4-independent group 4 enhancer GRCh37_chr1:237947411-237948610; plus strand). Cytogenetic location: 1q43.
Variant type: single nucleotide variant.
Coding change: c.12489C>T on transcript NM_001035.3 (MANE Select); coding-DNA position 12489, C replaced by T.
Protein change: p.Pro4163=; no amino-acid change (proline 4163 retained).
Molecular consequence: synonymous variant.
Genome position (GRCh38, 1-based): chr1:237,784,201, C>T. VCF-style: chr1-237784201-C-T. GRCh37 (hg19) VCF-style: chr1-237947501-C-T.
Other names: c.12489C>T, p.Pro4163= (LRG_402t1).
Identifiers: ClinVar variation 496088 (VCV000496088.13), dbSNP rs777321777, ClinGen allele CA085188.